The following is an entry in ClinVar:

ClinVar aggregate classification (germline): Pathogenic (1 of 4 stars; one submission).

Conditions:
Ataxia-telangiectasia syndrome (AT). Also called: Ataxia-telangiectasia; LOUIS-BAR SYNDROME; Ataxia-telangiectasia, complementation group D; AT, COMPLEMENTATION GROUP C; ATAXIA-TELANGIECTASIA, COMPLEMENTATION GROUP A; ATAXIA-TELANGIECTASIA, FRESNO VARIANT. Identifiers: Orphanet 100, MedGen C0004135, MONDO:0008840, OMIM 208900.

Submission:

Labcorp Genetics (formerly Invitae), Labcorp
Classification: Pathogenic for Ataxia-telangiectasia syndrome. Last evaluated: 2020-12-28. Review status: criteria provided, single submitter. Criteria: Invitae Variant Classification Sherloc (09022015). Collection method: clinical testing. Allele origin: germline.
Comment: This sequence change creates a premature translational stop signal (p.Gly2342Alafs*4) in the ATM gene. It is expected to result in an absent or disrupted protein product. Loss-of-function variants in ATM are known to be pathogenic (PMID: 23807571, 25614872). This variant is not present in population databases (ExAC no frequency). This variant has not been reported in the literature in individuals with ATM-related conditions. For these reasons, this variant has been classified as Pathogenic.

Literature cited by the submitters: PubMed 23807571; PubMed 25614872.

NM_000051.4(ATM):c.7025del (p.Gly2342fs)

Genes: ATM (ATM serine/threonine kinase; plus strand), C11orf65 (chromosome 11 open reading frame 65; minus strand). Cytogenetic location: 11q22.3.
Variant type: Deletion.
Coding change: c.7025del on transcript NM_000051.4 (MANE Select); coding-DNA position 7025, one base deleted (G; older notation c.7025delG).
Protein change: p.Gly2342fs; shifts the reading frame from glycine 2342.
Molecular consequence: frameshift variant. On other transcripts: intron variant (2).
Genome position (GRCh38, 1-based): chr11:108,327,694, G deleted; the last of 2 consecutive G bases (chr11:108,327,693-108,327,694); deleting either gives the same sequence. VCF-style (leftmost placement, unchanged base first): chr11-108327692-TG-T. GRCh37 (hg19) VCF-style: chr11-108198419-TG-T.
Other names: c.7025del, p.Gly2342fs (NM_001351834.2); c.641-18622del (NM_001330368.2); c.*38+7527del (NM_001351110.2); short protein forms G2342fs.
Identifiers: ClinVar variation 1414240 (VCV001414240.7), dbSNP rs2136375832, ClinGen allele CA2573146604.
Genomic context (GRCh38, chr11:108,327,692, plus strand): 5'-CTTTCTTATACAGAACAATCCCAGCCTAAAACTTACATACACAGAATGTCTGAGGGTTTG[TG>T]GCAACTGGTTAGCAGAAACGTGCTTAGAAAATCCTGCGGTCATCATGCAGACCTATCTAG-3'